The following is an entry in ClinVar:

ClinVar aggregate classification (germline): Uncertain significance. Review status: criteria provided, multiple submitters, no conflicts (2 of 4 stars). 2 submissions from 2 submitters: Uncertain significance (2). Last evaluated 2025-04-11.

Conditions:
Inborn genetic diseases. Identifiers: MedGen C0950123, MeSH D030342.
Nemaline myopathy 2 (NEM2). Also called: Nemaline myopathy 2, autosomal recessive. Identifiers: MedGen C1850569, MONDO:0009725, OMIM 256030.

Submissions (2):

Ambry Genetics
Classification: Uncertain significance for Inborn genetic diseases. Last evaluated: 2025-04-11. Review status: criteria provided, single submitter. Criteria: Ambry Variant Classification Scheme 2023. Collection method: clinical testing. Allele origin: germline.

Labcorp Genetics (formerly Invitae), Labcorp
Classification: Uncertain significance for Nemaline myopathy 2. Last evaluated: 2024-03-11. Review status: criteria provided, single submitter. Criteria: Invitae Variant Classification Sherloc (09022015). Collection method: clinical testing. Allele origin: germline.
Comment: This sequence change replaces alanine, which is neutral and non-polar, with threonine, which is neutral and polar, at codon 6187 of the NEB protein (p.Ala6187Thr). This variant is not present in population databases (gnomAD no frequency). This variant has not been reported in the literature in individuals affected with NEB-related conditions. ClinVar contains an entry for this variant (Variation ID: 1407518). Experimental studies and prediction algorithms are not available or were not evaluated, and the functional significance of this variant is currently unknown. In summary, the available evidence is currently insufficient to determine the role of this variant in disease. Therefore, it has been classified as a Variant of Uncertain Significance.

NM_001164508.2(NEB):c.18559G>A (p.Ala6187Thr)

Gene: NEB (nebulin; minus strand). Cytogenetic location: 2q23.3.
Variant type: single nucleotide variant.
Coding change: c.18559G>A on transcript NM_001164508.2 (MANE Select); coding-DNA position 18559, G replaced by A.
Protein change: p.Ala6187Thr; replaces alanine 6187 with threonine.
Molecular consequence: missense variant.
Genome position (GRCh38, 1-based): chr2:151,563,843, C>T on the plus strand (G>A on the coding strand, the complement: NEB is on the minus strand). VCF-style: chr2-151563843-C-T. GRCh37 (hg19) VCF-style: chr2-152420357-C-T.
Other names: c.18559G>A, p.Ala6187Thr (NM_001164507.2, NM_001271208.2); c.13456G>A, p.Ala4486Thr (NM_004543.5); c.13456G>A (NM_004543.4); short protein forms A4486T, A6187T.
Identifiers: ClinVar variation 1407518 (VCV001407518.9), dbSNP rs994460843, ClinGen allele CA57657680.
Genomic context (GRCh38, chr2:151,563,843, plus strand): 5'-AAAGACTCTCAAACTTAGGAGAGGAAAAGGTCATACTGACCTCACTGTTCACCAGATCAG[C>T]ATGCTTGGCTCCAACAATGGGAATGTAGCGCTCATCCAGGGTGTAGCCATAGGCCTTGGT-3'
Protein context (NP_001157980.2, residues 6177-6197): RYIPIVGAKH[Ala6187Thr]DLVNSELKYK